The following is an entry in ClinVar:

NM_016156.6(MTMR2):c.14C>G (p.Ser5Trp)

Gene: MTMR2 (myotubularin related protein 2; minus strand). Cytogenetic location: 11q21.
Variant type: single nucleotide variant.
Coding change: c.14C>G on transcript NM_016156.6 (MANE Select); coding-DNA position 14, C replaced by G.
Protein change: p.Ser5Trp; replaces serine 5 with tryptophan.
Molecular consequence: missense variant. On other transcripts: 5 prime UTR variant (3).
Genome position (GRCh38, 1-based): chr11:95,923,941, G>C on the plus strand (C>G on the coding strand, the complement: MTMR2 is on the minus strand). VCF-style: chr11-95923941-G-C. GRCh37 (hg19) VCF-style: chr11-95657105-G-C.
Other names: p.Ser5Trp; c.-470C>G (NM_001243571.2); c.-397C>G (NM_201278.3); c.-274C>G (NM_201281.3); short protein forms S5W.
Identifiers: ClinVar variation 188111 (VCV000188111.11), dbSNP rs778430688, ClinGen allele CA334066.

ClinVar aggregate classification (germline): Uncertain significance. Review status: criteria provided, multiple submitters, no conflicts (2 of 4 stars). 5 submissions from 5 submitters: Uncertain significance (5). Last evaluated 2026-08-26.

Conditions:
MTMR2-related disorder. Also called: MTMR2-related condition.
Inborn genetic diseases. Identifiers: MedGen C0950123, MeSH D030342.
Charcot-Marie-Tooth disease type 4. Also called: Charcot-Marie-Tooth disease, type IV; Charcot-Marie-Tooth, Type 4. Identifiers: Orphanet 64749, MedGen C4082197, MONDO:0018995.

Allele frequency attached by ClinVar (database versions not stated): ExAC below 0.00001; gnomAD exomes 0.00003; TOPMed 0.00003; gnomAD 0.00005 and 0.00006.
gnomAD v4.1: 50 of 1,560,542 alleles (0.0032%); highest among the groups gnomAD compares: Non-Finnish European, 0.0041%; no homozygotes.

Submissions (5):

PreventionGenetics, part of Exact Sciences
Classification: Uncertain significance for MTMR2-related condition. Last evaluated: 2026-08-26. Review status: criteria provided, single submitter. Criteria: ACMG Guidelines, 2015. Collection method: clinical testing. Allele origin: germline.
Comment: The MTMR2 c.14C>G variant is predicted to result in the amino acid substitution p.Ser5Trp. To our knowledge, this variant has not been reported in the literature. This variant is reported in 0.0089% of alleles in individuals of European (Non-Finnish) descent in gnomAD. At this time, the clinical significance of this variant is uncertain due to the absence of conclusive functional and genetic evidence.

Mayo Clinic Laboratories, Mayo Clinic
Classification: Uncertain significance. Last evaluated: 2025-06-17. Review status: criteria provided, single submitter. Criteria: ACMG Guidelines, 2015. Collection method: clinical testing. Allele origin: germline. Observed: 2 variant alleles.
Comment: PM2_supporting

Ambry Genetics
Classification: Uncertain significance for Inborn genetic diseases. Last evaluated: 2024-02-21. Review status: criteria provided, single submitter. Criteria: Ambry Variant Classification Scheme 2023. Collection method: clinical testing. Allele origin: germline.

GeneDx
Classification: Uncertain significance. Last evaluated: 2022-12-13. Review status: criteria provided, single submitter. Criteria: GeneDx Variant Classification Process June 2021. Collection method: clinical testing. Allele origin: germline. Affected: yes.
Comment: Not observed at significant frequency in large population cohorts (gnomAD); In silico analysis supports that this missense variant does not alter protein structure/function; Has not been previously published as pathogenic or benign to our knowledge

Labcorp Genetics (formerly Invitae), Labcorp
Classification: Uncertain significance for Charcot-Marie-Tooth disease type 4. Last evaluated: 2022-07-12. Review status: criteria provided, single submitter. Criteria: Invitae Variant Classification Sherloc (09022015). Collection method: clinical testing. Allele origin: germline.
Comment: This sequence change replaces serine, which is neutral and polar, with tryptophan, which is neutral and slightly polar, at codon 5 of the MTMR2 protein (p.Ser5Trp). This variant is present in population databases (rs778430688, gnomAD 0.008%). This variant has not been reported in the literature in individuals affected with MTMR2-related conditions. ClinVar contains an entry for this variant (Variation ID: 188111). Advanced modeling of protein sequence and biophysical properties (such as structural, functional, and spatial information, amino acid conservation, physicochemical variation, residue mobility, and thermodynamic stability) performed at Invitae indicates that this missense variant is not expected to disrupt MTMR2 protein function. In summary, the available evidence is currently insufficient to determine the role of this variant in disease. Therefore, it has been classified as a Variant of Uncertain Significance.